The following is an entry in ClinVar:

ClinVar aggregate classification (germline): Uncertain significance (1 of 4 stars; one submission).

Conditions:
Amyotrophic lateral sclerosis type 4 (ALS4). Also called: AMYOTROPHIC LATERAL SCLEROSIS 4, JUVENILE; NEURONOPATHY, DISTAL HEREDITARY MOTOR, WITH PYRAMIDAL FEATURES. Identifiers: Orphanet 357043, MedGen C1865409, MONDO:0011223, OMIM 602433.
Spinocerebellar ataxia, autosomal recessive, with axonal neuropathy 2 (SCAN2). Also called: ATAXIA-OCULOMOTOR APRAXIA 2; Ataxia with Oculomotor Apraxia Type 2; Ataxia-ocular apraxia-2; Ataxia with Oculomotor Apraxia. Identifiers: Orphanet 64753, MedGen C1853761, MONDO:0018996, OMIM 606002.

Submission:

Labcorp Genetics (formerly Invitae), Labcorp
Classification: Uncertain significance for Amyotrophic lateral sclerosis type 4; Spinocerebellar ataxia, autosomal recessive, with axonal neuropathy 2. Last evaluated: 2024-06-04. Review status: criteria provided, single submitter. Criteria: Invitae Variant Classification Sherloc (09022015). Collection method: clinical testing. Allele origin: germline.
Comment: This sequence change replaces valine, which is neutral and non-polar, with leucine, which is neutral and non-polar, at codon 1811 of the SETX protein (p.Val1811Leu). This variant is not present in population databases (gnomAD no frequency). This variant has not been reported in the literature in individuals affected with SETX-related conditions. Advanced modeling of protein sequence and biophysical properties (such as structural, functional, and spatial information, amino acid conservation, physicochemical variation, residue mobility, and thermodynamic stability) performed at Invitae indicates that this missense variant is not expected to disrupt SETX protein function with a negative predictive value of 95%. In summary, the available evidence is currently insufficient to determine the role of this variant in disease. Therefore, it has been classified as a Variant of Uncertain Significance.

NM_015046.7(SETX):c.5431G>C (p.Val1811Leu)

Gene: SETX (senataxin; minus strand). Cytogenetic location: 9q34.13.
Variant type: single nucleotide variant.
Coding change: c.5431G>C on transcript NM_015046.7 (MANE Select); coding-DNA position 5431, G replaced by C.
Protein change: p.Val1811Leu; replaces valine 1811 with leucine.
Molecular consequence: missense variant.
Genome position (GRCh38, 1-based): chr9:132,300,747, C>G on the plus strand (G>C on the coding strand, the complement: SETX is on the minus strand). VCF-style: chr9-132300747-C-G. GRCh37 (hg19) VCF-style: chr9-135176134-C-G.
Other names: c.5431G>C, p.Val1811Leu (NM_001351527.2, NM_001351528.2); short protein forms V1811L.
Identifiers: ClinVar variation 3753924 (VCV003753924.2).